The following is an entry in ClinVar:

NM_006514.4(SCN10A):c.3632A>G (p.Lys1211Arg)

Gene: SCN10A (sodium voltage-gated channel alpha subunit 10; minus strand). Cytogenetic location: 3p22.2.
Variant type: single nucleotide variant.
Coding change: c.3632A>G on transcript NM_006514.4 (MANE Select); coding-DNA position 3632, A replaced by G.
Protein change: p.Lys1211Arg; replaces lysine 1211 with arginine.
Molecular consequence: missense variant.
Genome position (GRCh38, 1-based): chr3:38,718,702, T>C on the plus strand (A>G on the coding strand, the complement: SCN10A is on the minus strand). VCF-style: chr3-38718702-T-C. GRCh37 (hg19) VCF-style: chr3-38760193-T-C.
Other names: c.3629A>G, p.Lys1210Arg (NM_001293306.2); c.3338A>G, p.Lys1113Arg (NM_001293307.2); short protein forms K1210R, K1211R, K1113R.
Identifiers: ClinVar variation 1733422 (VCV001733422.2), dbSNP rs752793109, ClinGen allele CA2320179.

ClinVar aggregate classification (germline): Uncertain significance (1 of 4 stars; one submission).

Conditions:
Cardiovascular phenotype. Identifiers: MedGen CN230736.

Allele frequency attached by ClinVar (database versions not stated): gnomAD exomes below 0.00001; TOPMed below 0.00001; ExAC 0.00001.
gnomAD v4.1: 4 of 1,614,230 alleles (0.00025%); highest among the groups gnomAD compares: African/African-American, 0.0013%; no homozygotes.

Submission:

Ambry Genetics
Classification: Uncertain significance for Cardiovascular phenotype. Last evaluated: 2021-07-07. Review status: criteria provided, single submitter. Criteria: Ambry Variant Classification Scheme 2023. Collection method: clinical testing. Allele origin: germline.
Comment: The p.K1211R variant (also known as c.3632A>G), located in coding exon 20 of the SCN10A gene, results from an A to G substitution at nucleotide position 3632. The lysine at codon 1211 is replaced by arginine, an amino acid with highly similar properties. This amino acid position is conserved. In addition, the in silico prediction for this alteration is inconclusive. Since supporting evidence is limited at this time, the clinical significance of this alteration remains unclear.